The following is an entry in ClinVar:

NM_000642.3(AGL):c.965G>A (p.Arg322Lys)

Gene: AGL (amylo-alpha-1,6-glucosidase and 4-alpha-glucanotransferase; plus strand). Cytogenetic location: 1p21.2.
Variant type: single nucleotide variant.
Coding change: c.965G>A on transcript NM_000642.3 (MANE Select); coding-DNA position 965, G replaced by A.
Protein change: p.Arg322Lys; replaces arginine 322 with lysine.
Molecular consequence: missense variant.
Genome position (GRCh38, 1-based): chr1:99,874,693, G>A. VCF-style: chr1-99874693-G-A. GRCh37 (hg19) VCF-style: chr1-100340249-G-A.
Other names: c.965G>A, p.Arg322Lys (NM_000028.3, NM_000643.3, NM_000644.3 and 3 more transcripts); c.917G>A, p.Arg306Lys (NM_000646.3); c.761G>A, p.Arg254Lys (NM_001425328.1, NM_001425329.1); c.587G>A, p.Arg196Lys (NM_001425332.1); short protein forms R322K, R306K, R196K, R254K.
Identifiers: ClinVar variation 2141151 (VCV002141151.1), dbSNP rs1651350867, ClinGen allele CA341342818.

ClinVar aggregate classification (germline): Uncertain significance (1 of 4 stars; one submission).

Conditions:
Glycogen storage disease type III (GSD3). Also called: Cori disease; FORBES DISEASE. Identifiers: Orphanet 366, MedGen C0017922, MONDO:0009291, OMIM 232400.

Allele frequency attached by ClinVar (database versions not stated): gnomAD exomes below 0.00001; gnomAD 0.00001.
gnomAD v4.1: 2 of 1,610,984 alleles (0.00012%); highest among the groups gnomAD compares: Non-Finnish European, 0.00017%; no homozygotes.

Submission:

Labcorp Genetics (formerly Invitae), Labcorp
Classification: Uncertain significance for Glycogen storage disease type III. Last evaluated: 2022-07-15. Review status: criteria provided, single submitter. Criteria: Invitae Variant Classification Sherloc (09022015). Collection method: clinical testing. Allele origin: germline.
Comment: This sequence change replaces arginine, which is basic and polar, with lysine, which is basic and polar, at codon 322 of the AGL protein (p.Arg322Lys). This variant is not present in population databases (gnomAD no frequency). This variant has not been reported in the literature in individuals affected with AGL-related conditions. Algorithms developed to predict the effect of missense changes on protein structure and function (SIFT, PolyPhen-2, Align-GVGD) all suggest that this variant is likely to be tolerated. In summary, the available evidence is currently insufficient to determine the role of this variant in disease. Therefore, it has been classified as a Variant of Uncertain Significance.